The following is an entry in ClinVar:

NM_017654.4(SAMD9):c.2363G>A (p.Arg788His)

Gene: SAMD9 (sterile alpha motif domain containing 9; minus strand). Cytogenetic location: 7q21.2.
Variant type: single nucleotide variant.
Coding change: c.2363G>A on transcript NM_017654.4 (MANE Select); coding-DNA position 2363, G replaced by A.
Protein change: p.Arg788His; replaces arginine 788 with histidine.
Molecular consequence: missense variant.
Genome position (GRCh38, 1-based): chr7:93,103,735, C>T on the plus strand (G>A on the coding strand, the complement: SAMD9 is on the minus strand). VCF-style: chr7-93103735-C-T. GRCh37 (hg19) VCF-style: chr7-92733048-C-T.
Other names: c.2363G>A (NM_017654.3); c.2363G>A, p.Arg788His (NM_001193307.2); short protein forms R788H.
Identifiers: ClinVar variation 3712721 (VCV003712721.3).
Genomic context (GRCh38, chr7:93,103,735, plus strand): 5'-TAGACATTATCTTGTTCTTCAAAATCATCAACAAGGAGTAGTACAGGTACGTATTCCTGA[C>T]GGTTCATTGCCCCATAGGTGATTAAACTGGTTACCTGTTCTCCAATTTCAGAAAAATCCA-3'
Protein context (NP_060124.2, residues 778-798): TSLITYGAMN[Arg788His]QEYVPVLLLV

ClinVar aggregate classification (germline): Conflicting classifications of pathogenicity. Review status: criteria provided, conflicting classifications (1 of 4 stars). 2 submissions from 2 submitters: Uncertain significance (1); Likely benign (1). Last evaluated 2025-09-02.

Conditions:
Inborn genetic diseases. Identifiers: MedGen C0950123, MeSH D030342.

gnomAD v4.1: 19 of 1,613,704 alleles (0.0012%); highest among the groups gnomAD compares: Middle Eastern, 0.016%; no homozygotes.

Submissions (2):

Labcorp Genetics (formerly Invitae), Labcorp
Classification: Uncertain significance. Last evaluated: 2025-09-02. Review status: criteria provided, single submitter. Criteria: Invitae Variant Classification Sherloc (09022015). Collection method: clinical testing. Allele origin: germline.
Comment: This sequence change replaces arginine, which is basic and polar, with histidine, which is basic and polar, at codon 788 of the SAMD9 protein (p.Arg788His). This variant is present in population databases (rs780363399, gnomAD 0.0009%). This variant has not been reported in the literature in individuals affected with SAMD9-related conditions. ClinVar contains an entry for this variant (Variation ID: 3712721). Invitae Evidence Modeling of protein sequence and biophysical properties (such as structural, functional, and spatial information, amino acid conservation, physicochemical variation, residue mobility, and thermodynamic stability) indicates that this missense variant is not expected to disrupt SAMD9 protein function with a negative predictive value of 95%. In summary, the available evidence is currently insufficient to determine the role of this variant in disease. Therefore, it has been classified as a Variant of Uncertain Significance.

Ambry Genetics
Classification: Likely benign for Inborn genetic diseases. Last evaluated: 2024-12-12. Review status: criteria provided, single submitter. Criteria: Ambry Variant Classification Scheme 2023. Collection method: clinical testing. Allele origin: germline.